The following is an entry in ClinVar:

ClinVar aggregate classification (germline): Uncertain significance (1 of 4 stars; one submission).

Submission:

Labcorp Genetics (formerly Invitae), Labcorp
Classification: Uncertain significance. Last evaluated: 2024-06-10. Review status: criteria provided, single submitter. Criteria: Invitae Variant Classification Sherloc (09022015). Collection method: clinical testing. Allele origin: germline.
Comment: This sequence change falls in intron 5 of the MYH3 gene. It does not directly change the encoded amino acid sequence of the MYH3 protein. It affects a nucleotide within the consensus splice site. This variant is not present in population databases (gnomAD no frequency). This variant has not been reported in the literature in individuals affected with MYH3-related conditions. Variants that disrupt the consensus splice site are a relatively common cause of aberrant splicing (PMID: 17576681, 9536098). Algorithms developed to predict the effect of sequence changes on RNA splicing suggest that this variant is not likely to affect RNA splicing. In summary, the available evidence is currently insufficient to determine the role of this variant in disease. Therefore, it has been classified as a Variant of Uncertain Significance.

Literature cited by the submitters: PubMed 17576681; PubMed 9536098.

NM_002470.4(MYH3):c.505+3G>A

Gene: MYH3 (myosin heavy chain 3; minus strand). Cytogenetic location: 17p13.1.
Variant type: single nucleotide variant.
Coding change: c.505+3G>A on transcript NM_002470.4 (MANE Select); 3 bases into the intron after coding-DNA position 505, G replaced by A.
Molecular consequence: intron variant.
Genome position (GRCh38, 1-based): chr17:10,651,509, C>T on the plus strand (G>A on the coding strand, the complement: MYH3 is on the minus strand). VCF-style: chr17-10651509-C-T. GRCh37 (hg19) VCF-style: chr17-10554826-C-T.
Identifiers: ClinVar variation 3653233 (VCV003653233.2).
Genomic context (GRCh38, chr17:10,651,509, plus strand): 5'-AACTGCCGCTCGCCTCATGCAGTGCCTGCTCCAGCATCCCATGCTTCCTCCTGGGAAACT[C>T]ACCAGTCAGCATGAACTGATAGGCGTTGTCAGAGATGGAGAAGATGTGGGGTGGGGCCTC-3'